The following is an entry in ClinVar:

NM_000169.3(GLA):c.1240_1241del (p.Leu414fs)

Genes: GLA (galactosidase alpha; minus strand), RPL36A-HNRNPH2 (RPL36A-HNRNPH2 readthrough; plus strand). Cytogenetic location: Xq22.1.
Variant type: Deletion.
Coding change: c.1240_1241del on transcript NM_000169.3 (MANE Select); coding-DNA positions 1240 to 1241, 2 bases deleted (TT; older notation c.1240_1241delTT).
Protein change: p.Leu414fs; shifts the reading frame from leucine 414.
Molecular consequence: frameshift variant. On other transcripts: non-coding transcript variant (3), intron variant (2).
Genome position (GRCh38, 1-based): chrX:101,397,858-101,397,859, AA deleted on the plus strand (TT on the coding strand, the reverse complement: GLA is on the minus strand); deleting any 2 consecutive bases within chrX:101,397,858-101,397,861 gives the same sequence; the c. name uses the placement nearest the transcript's 3' end. VCF-style (leftmost placement, unchanged base first): chrX-101397857-CAA-C. GRCh37 (hg19) VCF-style: chrX-100652845-CAA-C.
Other names: c.1363_1364del, p.Leu455fs (NM_001406747.1); c.300+2403_300+2404del (NM_001199973.2); c.177+6038_177+6039del (NM_001199974.2); short protein forms L414fs, L455fs.
Identifiers: ClinVar variation 4087084 (VCV004087084.2).
Genomic context (GRCh38, chrX:101,397,857, plus strand): 5'-AAAATAAACATTTTAAAGTAAGTCTTTTAATGACATCTGCATTGTATTTTCTAGCTGAAG[CAA>C]AACAGTGCCTGTGGGATTTATGTGACTTCTTAACCTTGAAGTCCATTCATAGAACCCTAG-3'

ClinVar aggregate classification (germline): Pathogenic (1 of 4 stars; one submission).

Conditions:
Fabry disease. Also called: ALPHA-GALACTOSIDASE A DEFICIENCY; ANDERSON-FABRY DISEASE; CERAMIDE TRIHEXOSIDASE DEFICIENCY; GLA DEFICIENCY; HEREDITARY DYSTOPIC LIPIDOSIS; Angiokeratoma corporis diffusum. Identifiers: Orphanet 324, MedGen C0002986, MONDO:0010526, OMIM 301500, HP:0001071. Disease mechanism: Fabry disease is due to inactivating mutations in the X-linked GLA gene resulting in deficiency of the enzyme Alpha Galactosidase-A., loss of function.

Submission:

Genomenon, Inc
Classification: Pathogenic for Fabry disease. Last evaluated: 2026-09-08. Review status: criteria provided, single submitter. Criteria: Genomenon Sequence Variant Interpretation Standards - Updated. Collection method: curation. Allele origin: germline. Affected: yes.
Comment: GLA p.Leu414AlafsTer19 (c.1240_1241del) is a frameshift variant that is predicted to introduce a premature termination codon and result in a truncated or absent protein product. This variant has been observed in at least one proband with clinical features consistent with Fabry disease (PMID:24015197). Functional or patient cell studies have been reported (PMID:24015197). It is absent or not present at a significant frequency in gnomAD. In conclusion, we classify GLA p.Leu414AlafsTer19 (c.1240_1241del) as a pathogenic variant.

Literature cited by the submitters: PubMed 24015197.